The following is an entry in ClinVar:

ClinVar aggregate classification (germline): Uncertain significance (1 of 4 stars; one submission).

Conditions:
Long chain 3-hydroxyacyl-CoA dehydrogenase deficiency. Also called: Deficiency of long-chain 3-hydroxyacyl-coenzyme A dehydrogenase; LCHAD Deficiency. Identifiers: Orphanet 5, MedGen C3711645, MONDO:0012173, OMIM 609016.
Mitochondrial trifunctional protein deficiency. Identifiers: Orphanet 746, MedGen C1969443, MONDO:0012172.

Allele frequency attached by ClinVar (database versions not stated): TOPMed 0.00001.

Submission:

Labcorp Genetics (formerly Invitae), Labcorp
Classification: Uncertain significance for Mitochondrial trifunctional protein deficiency; Long chain 3-hydroxyacyl-CoA dehydrogenase deficiency. Last evaluated: 2022-06-27. Review status: criteria provided, single submitter. Criteria: Invitae Variant Classification Sherloc (09022015). Collection method: clinical testing. Allele origin: germline.
Comment: This variant has not been reported in the literature in individuals affected with HADHA-related conditions. In summary, the available evidence is currently insufficient to determine the role of this variant in disease. Therefore, it has been classified as a Variant of Uncertain Significance. Advanced modeling of protein sequence and biophysical properties (such as structural, functional, and spatial information, amino acid conservation, physicochemical variation, residue mobility, and thermodynamic stability) performed at Invitae indicates that this missense variant is not expected to disrupt HADHA protein function. This variant is not present in population databases (gnomAD no frequency). This sequence change replaces glutamic acid, which is acidic and polar, with lysine, which is basic and polar, at codon 601 of the HADHA protein (p.Glu601Lys).

NM_000182.5(HADHA):c.1801G>A (p.Glu601Lys)

Genes: HADHA (hydroxyacyl-CoA dehydrogenase trifunctional multienzyme complex subunit alpha; minus strand), GAREM2 (GRB2 associated regulator of MAPK1 subtype 2; plus strand). Cytogenetic location: 2p23.3.
Variant type: single nucleotide variant.
Coding change: c.1801G>A on transcript NM_000182.5 (MANE Select); coding-DNA position 1801, G replaced by A.
Protein change: p.Glu601Lys; replaces glutamic acid 601 with lysine.
Molecular consequence: missense variant.
Genome position (GRCh38, 1-based): chr2:26,193,661, C>T on the plus strand (G>A on the coding strand, the complement: HADHA is on the minus strand). VCF-style: chr2-26193661-C-T. GRCh37 (hg19) VCF-style: chr2-26416530-C-T.
Other names: short protein forms E601K.
Identifiers: ClinVar variation 2413343 (VCV002413343.3), dbSNP rs1669576941, ClinGen allele CA346117887.
Genomic context (GRCh38, chr2:26,193,661, plus strand): 5'-GTGTCAGCAGTTCTGGGTTTCCACCTCCAAACCGCTCCCCAAAGACTTTGCCCAGATCTT[C>T]CGCCACATGTTTCGCTACATCCACACCAACTTCATCCACCAGTGTGGCGGCACCCACAGG-3'
Protein context (NP_000173.2, residues 591-611): VGVDVAKHVA[Glu601Lys]DLGKVFGERF